The following is an entry in ClinVar:

NM_001903.5(CTNNA1):c.2712C>G (p.Asp904Glu)

Gene: CTNNA1 (catenin alpha 1; plus strand). Cytogenetic location: 5q31.2.
Variant type: single nucleotide variant.
Coding change: c.2712C>G on transcript NM_001903.5 (MANE Select); coding-DNA position 2712, C replaced by G.
Protein change: p.Asp904Glu; replaces aspartic acid 904 with glutamic acid.
Molecular consequence: missense variant. On other transcripts: 3 prime UTR variant (5).
Genome position (GRCh38, 1-based): chr5:138,934,080, C>G. VCF-style: chr5-138934080-C-G. GRCh37 (hg19) VCF-style: chr5-138269769-C-G.
Other names: c.*257C>G (NM_001290307.3, NM_001324002.1, NM_001324003.1 and 2 more transcripts); c.2403C>G, p.Asp801Glu (NM_001290309.3); c.2343C>G, p.Asp781Glu (NM_001290310.3); c.1602C>G, p.Asp534Glu (NM_001290312.1, NM_001323987.1, NM_001323988.1 and 12 more transcripts); c.2712C>G, p.Asp904Glu (NM_001323982.2, NM_001323983.1, NM_001323984.2); c.2685C>G, p.Asp895Glu (NM_001323985.2); c.2619C>G, p.Asp873Glu (NM_001323986.2); c.1467C>G, p.Asp489Glu (NM_001324001.1); and 3 more; short protein forms D421E, D453E, D489E, D503E, D534E, D781E, D801E, D873E.
Identifiers: ClinVar variation 1713430 (VCV001713430.5), dbSNP rs368569759, ClinGen allele CA361135832.

ClinVar aggregate classification (germline): Uncertain significance (1 of 4 stars; one submission).

Submission:

Labcorp Genetics (formerly Invitae), Labcorp
Classification: Uncertain significance. Last evaluated: 2022-07-31. Review status: criteria provided, single submitter. Criteria: Invitae Variant Classification Sherloc (09022015). Collection method: clinical testing. Allele origin: germline.
Comment: This sequence change replaces aspartic acid, which is acidic and polar, with glutamic acid, which is acidic and polar, at codon 904 of the CTNNA1 protein (p.Asp904Glu). This variant is not present in population databases (gnomAD no frequency). This variant has not been reported in the literature in individuals affected with CTNNA1-related conditions. Algorithms developed to predict the effect of missense changes on protein structure and function output the following: SIFT: "Tolerated"; PolyPhen-2: "Benign"; Align-GVGD: "Class C0". The glutamic acid amino acid residue is found in multiple mammalian species, which suggests that this missense change does not adversely affect protein function. In summary, the available evidence is currently insufficient to determine the role of this variant in disease. Therefore, it has been classified as a Variant of Uncertain Significance.